The following is an entry in ClinVar:

NM_001114753.3(ENG):c.707T>C (p.Val236Ala)

Gene: ENG (endoglin; minus strand). Cytogenetic location: 9q34.11.
Variant type: single nucleotide variant.
Coding change: c.707T>C on transcript NM_001114753.3 (MANE Select); coding-DNA position 707, T replaced by C.
Protein change: p.Val236Ala; replaces valine 236 with alanine.
Molecular consequence: missense variant.
Genome position (GRCh38, 1-based): chr9:127,825,340, A>G on the plus strand (T>C on the coding strand, the complement: ENG is on the minus strand). VCF-style: chr9-127825340-A-G. GRCh37 (hg19) VCF-style: chr9-130587619-A-G.
Other names: c.707T>C, p.Val236Ala (NM_000118.4, NM_001406715.1); c.161T>C, p.Val54Ala (NM_001278138.2); short protein forms V54A, V236A.
Identifiers: ClinVar variation 1757041 (VCV001757041.2), dbSNP rs1588582073, ClinGen allele CA374983440.

ClinVar aggregate classification (germline): Uncertain significance (1 of 4 stars; one submission).

Conditions:
Cardiovascular phenotype. Identifiers: MedGen CN230736.

Submission:

Ambry Genetics
Classification: Uncertain significance for Cardiovascular phenotype. Last evaluated: 2023-09-28. Review status: criteria provided, single submitter. Criteria: Ambry Variant Classification Scheme 2023. Collection method: clinical testing. Allele origin: germline.
Comment: The p.V236A variant (also known as c.707T>C), located in coding exon 6 of the ENG gene, results from a T to C substitution at nucleotide position 707. The valine at codon 236 is replaced by alanine, an amino acid with similar properties. This amino acid position is highly conserved in available vertebrate species. In addition, this alteration is predicted to be tolerated by in silico analysis. Since supporting evidence is limited at this time, the clinical significance of this alteration remains unclear.